The following is an entry in ClinVar:

ClinVar aggregate classification (germline): Uncertain significance. Review status: criteria provided, multiple submitters, no conflicts (2 of 4 stars). 2 submissions from 2 submitters: Uncertain significance (2). Last evaluated 2024-07-19.

Conditions:
Neurodevelopmental disorder with eye movement abnormalities and ataxia. Identifiers: MedGen C5774241, MONDO:0859305, OMIM 620094.
Inborn genetic diseases. Identifiers: MedGen C0950123, MeSH D030342.

gnomAD v4.1: 67 of 1,614,072 alleles (0.0042%); highest among the groups gnomAD compares: Non-Finnish European, 0.0056%; no homozygotes.

Submissions (2):

Pittsburgh Clinical Genomics Laboratory, University of Pittsburgh Medical Center
Classification: Uncertain significance for Neurodevelopmental disorder with eye movement abnormalities and ataxia. Last evaluated: 2024-07-19. Review status: criteria provided, single submitter. Criteria: ACMG Guidelines, 2015. Collection method: clinical testing. Allele origin: germline. Inheritance: Autosomal dominant inheritance. Affected: yes.
Comment: This sequence variant is a single nucleotide substitution (G>C) at position 1658 of the coding sequence of the FRMD5 gene that results in an arginine to threonine amino acid change at residue 553 of the FERM domain containing 5 protein. This variant is absent from ClinVar and has not been observed in individuals affected by a FRMD5-related disorder in the published literature, to our knowledge. This variant is present in 67 of 1614072 alleles (0.0042%) in the gnomAD v4.0.0 population dataset. Multiple bioinformatic tools predict that this amino acid change would be damaging, and the Arg553 residue at this position is highly conserved across the vertebrate species examined. Studies examining the functional consequence of this variant have not been published, to our knowledge. At this time, there is insufficient evidence to determine if this variant is pathogenic or benign. Therefore, we consider this a variant of uncertain significance. ACMG Criteria: PM2, PP3

Ambry Genetics
Classification: Uncertain significance for Inborn genetic diseases. Last evaluated: 2024-07-05. Review status: criteria provided, single submitter. Criteria: Ambry Variant Classification Scheme 2023. Collection method: clinical testing. Allele origin: germline.

NM_032892.5(FRMD5):c.1658G>C (p.Arg553Thr)

Gene: FRMD5 (FERM domain containing 5; minus strand). Cytogenetic location: 15q15.3.
Variant type: single nucleotide variant.
Coding change: c.1658G>C on transcript NM_032892.5 (MANE Select); coding-DNA position 1658, G replaced by C.
Protein change: p.Arg553Thr; replaces arginine 553 with threonine.
Molecular consequence: missense variant. On other transcripts: non-coding transcript variant (1), intron variant (3), splice acceptor variant (2).
Genome position (GRCh38, 1-based): chr15:43,873,940, C>G on the plus strand (G>C on the coding strand, the complement: FRMD5 is on the minus strand). VCF-style: chr15-43873940-C-G. GRCh37 (hg19) VCF-style: chr15-44166138-C-G.
Other names: c.956G>C, p.Arg319Thr (NM_001286491.2); c.1374+179G>C (NM_001322951.2); c.1479+179G>C (NM_001322949.2, NM_001411124.1); c.1480-1G>C (NM_001322950.2); c.1198-1G>C (NM_001286490.2); c.1658G>C (NM_032892.3); short protein forms R319T, R553T.
Identifiers: ClinVar variation 3376444 (VCV003376444.2).
Genomic context (GRCh38, chr15:43,873,940, plus strand): 5'-CCTTCTCAGGTGTCAATGAGCAGGCTCACCACTGAGCGGATTTTGCAGGCAAACCATCGC[C>G]TGAGGGGACAAAAGTATTGATAGTGGAATTGTTCAAACTCGGGGGTCTGGCGGATATCAC-3'
Protein context (NP_116281.2, residues 543-563): QFHYQYFCPL[Arg553Thr]RWFACKIRSV